The following is an entry in ClinVar:

NM_001127208.3(TET2):c.2330G>C (p.Gly777Ala)

Genes: TET2 (tet methylcytosine dioxygenase 2; plus strand), TET2-AS1 (TET2 antisense RNA 1; minus strand). Cytogenetic location: 4q24.
Variant type: single nucleotide variant.
Coding change: c.2330G>C on transcript NM_001127208.3 (MANE Select); coding-DNA position 2330, G replaced by C.
Protein change: p.Gly777Ala; replaces glycine 777 with alanine.
Molecular consequence: missense variant.
Genome position (GRCh38, 1-based): chr4:105,236,272, G>C. VCF-style: chr4-105236272-G-C. GRCh37 (hg19) VCF-style: chr4-106157429-G-C.
Other names: c.2330G>C, p.Gly777Ala (NM_017628.4); short protein forms G777A.
Identifiers: ClinVar variation 3967481 (VCV003967481.1).
Genomic context (GRCh38, chr4:105,236,272, plus strand): 5'-TCCAGACTTTTCCTCACCCCCAAAGCAACAATGATCAGCAAAGAGAAGGATCATTCTTTG[G>C]CCAGACTAAAGTGGAAGAATGTTTTCATGGTGAAAATCAGTATTCAAAATCAAGCGAGTT-3'
Protein context (NP_001120680.1, residues 767-787): NDQQREGSFF[Gly777Ala]QTKVEECFHG

ClinVar aggregate classification (germline): Uncertain significance (1 of 4 stars; one submission).

gnomAD v4.1: 2 of 1,614,042 alleles (0.00012%); highest among the groups gnomAD compares: Non-Finnish European, 0.00017%; no homozygotes.

Submission:

Ambry Genetics
Classification: Uncertain significance. Last evaluated: 2025-03-24. Review status: criteria provided, single submitter. Criteria: Ambry Variant Classification Scheme 2023. Collection method: clinical testing. Allele origin: germline.
Comment: The p.G777A variant (also known as c.2330G>C), located in coding exon 1 of the TET2 gene, results from a G to C substitution at nucleotide position 2330. The glycine at codon 777 is replaced by alanine, an amino acid with similar properties. This amino acid position is conserved. In addition, this alteration is predicted to be tolerated by in silico analysis. Based on the available evidence, the clinical significance of this variant remains unclear.